The following is an entry in ClinVar:

ClinVar aggregate classification (germline): Uncertain significance. Review status: criteria provided, multiple submitters, no conflicts (2 of 4 stars). 2 submissions from 2 submitters: Uncertain significance (2). Last evaluated 2026-01-07.

Conditions:
Hereditary cancer-predisposing syndrome. Also called: Neoplastic Syndromes, Hereditary; Tumor predisposition; Hereditary neoplastic syndrome; Hereditary Cancer Syndrome. Identifiers: Orphanet 140162, MedGen C0027672, MeSH D009386, MONDO:0015356.
Cardiovascular phenotype. Identifiers: MedGen CN230736.

Allele frequency attached by ClinVar (database versions not stated): gnomAD exomes below 0.00001.

Submissions (2):

Labcorp Genetics (formerly Invitae), Labcorp
Classification: Uncertain significance. Last evaluated: 2026-01-07. Review status: criteria provided, single submitter. Criteria: Invitae Variant Classification Sherloc (09022015). Collection method: clinical testing. Allele origin: germline.
Comment: This sequence change replaces lysine, which is basic and polar, with arginine, which is basic and polar, at codon 147 of the LZTR1 protein (p.Lys147Arg). This variant is not present in population databases (gnomAD no frequency). This variant has not been reported in the literature in individuals affected with LZTR1-related conditions. ClinVar contains an entry for this variant (Variation ID: 3238289). Invitae Evidence Modeling of protein sequence and biophysical properties (such as structural, functional, and spatial information, amino acid conservation, physicochemical variation, residue mobility, and thermodynamic stability) indicates that this missense variant is not expected to disrupt LZTR1 protein function with a negative predictive value of 80%. In summary, the available evidence is currently insufficient to determine the role of this variant in disease. Therefore, it has been classified as a Variant of Uncertain Significance.

Ambry Genetics
Classification: Uncertain significance for Cardiovascular phenotype; Hereditary cancer-predisposing syndrome. Last evaluated: 2023-10-16. Review status: criteria provided, single submitter. Criteria: Ambry Variant Classification Scheme 2023. Collection method: clinical testing. Allele origin: germline.
Comment: The p.K147R variant (also known as c.440A>G), located in coding exon 5 of the LZTR1 gene, results from an A to G substitution at nucleotide position 440. The lysine at codon 147 is replaced by arginine, an amino acid with highly similar properties. This amino acid position is conserved. In addition, this alteration is predicted to be tolerated by in silico analysis. Since supporting evidence is limited at this time, the clinical significance of this alteration remains unclear.

NM_006767.4(LZTR1):c.440A>G (p.Lys147Arg)

Gene: LZTR1 (leucine zipper like post translational regulator 1; plus strand). Cytogenetic location: 22q11.21.
Variant type: single nucleotide variant.
Coding change: c.440A>G on transcript NM_006767.4 (MANE Select); coding-DNA position 440, A replaced by G.
Protein change: p.Lys147Arg; replaces lysine 147 with arginine.
Molecular consequence: missense variant.
Genome position (GRCh38, 1-based): chr22:20,988,049, A>G. VCF-style: chr22-20988049-A-G. GRCh37 (hg19) VCF-style: chr22-21342338-A-G.
Other names: short protein forms K147R.
Identifiers: ClinVar variation 3238289 (VCV003238289.2), dbSNP rs2518613260.